The following is an entry in ClinVar:

NM_001197104.2(KMT2A):c.10490G>A (p.Gly3497Glu)

Gene: KMT2A (lysine methyltransferase 2A; plus strand). Cytogenetic location: 11q23.3.
Variant type: single nucleotide variant.
Coding change: c.10490G>A on transcript NM_001197104.2 (MANE Select); coding-DNA position 10490, G replaced by A.
Protein change: p.Gly3497Glu; replaces glycine 3497 with glutamic acid.
Molecular consequence: missense variant.
Genome position (GRCh38, 1-based): chr11:118,506,382, G>A. VCF-style: chr11-118506382-G-A. GRCh37 (hg19) VCF-style: chr11-118377097-G-A.
Other names: c.10580G>A, p.Gly3527Glu (NM_001412597.1); c.10481G>A, p.Gly3494Glu (NM_005933.4); short protein forms G3494E, G3497E, G3527E.
Identifiers: ClinVar variation 2421990 (VCV002421990.5), dbSNP rs1302416736, ClinGen allele CA382825966.
Genomic context (GRCh38, chr11:118,506,382, plus strand): 5'-CTGCTTCAGGGCCCCAGGTATCCAACTTTACCCAGACGGTAGACGCTCCTAATAGCATGG[G>A]ACTGGAGCAGAACAAGGCTTTATCCTCAGCTGTGCAAGCCAGCCCCACCTCTCCTGGGGG-3'
Protein context (NP_001184033.1, residues 3487-3507): TQTVDAPNSM[Gly3497Glu]LEQNKALSSA

ClinVar aggregate classification (germline): Uncertain significance (1 of 4 stars; one submission).

Allele frequency attached by ClinVar (database versions not stated): TOPMed below 0.00001; gnomAD 0.00001; gnomAD exomes 0.00001.
gnomAD v4.1: 21 of 1,614,036 alleles (0.0013%); highest among the groups gnomAD compares: Non-Finnish European, 0.0018%; no homozygotes.

Submission:

Labcorp Genetics (formerly Invitae), Labcorp
Classification: Uncertain significance. Last evaluated: 2025-05-30. Review status: criteria provided, single submitter. Criteria: Invitae Variant Classification Sherloc (09022015). Collection method: clinical testing. Allele origin: germline.
Comment: This sequence change replaces glycine, which is neutral and non-polar, with glutamic acid, which is acidic and polar, at codon 3497 of the KMT2A protein (p.Gly3497Glu). This variant is present in population databases (no rsID available, gnomAD 0.0009%). This variant has not been reported in the literature in individuals affected with KMT2A-related conditions. ClinVar contains an entry for this variant (Variation ID: 2421990). Invitae Evidence Modeling of protein sequence and biophysical properties (such as structural, functional, and spatial information, amino acid conservation, physicochemical variation, residue mobility, and thermodynamic stability) indicates that this missense variant is not expected to disrupt KMT2A protein function with a negative predictive value of 95%. In summary, the available evidence is currently insufficient to determine the role of this variant in disease. Therefore, it has been classified as a Variant of Uncertain Significance.